The following is an entry in ClinVar:

NM_032237.5(POMK):c.822C>G (p.Pro274=)

Gene: POMK (protein O-mannose kinase; plus strand). Cytogenetic location: 8p11.21.
Variant type: single nucleotide variant.
Coding change: c.822C>G on transcript NM_032237.5 (MANE Select); coding-DNA position 822, C replaced by G.
Protein change: p.Pro274=; no amino-acid change (proline 274 retained).
Molecular consequence: synonymous variant.
Genome position (GRCh38, 1-based): chr8:43,122,646, C>G. VCF-style: chr8-43122646-C-G. GRCh37 (hg19) VCF-style: chr8-42977789-C-G.
Other names: c.822C>G, p.Pro274= (NM_001277971.2).
Identifiers: ClinVar variation 1547307 (VCV001547307.31), dbSNP rs1331879356, ClinGen allele CA460787322.

ClinVar aggregate classification (germline): Likely benign. Review status: criteria provided, multiple submitters, no conflicts (2 of 4 stars). 2 submissions from 2 submitters: Likely benign (2). Last evaluated 2023-08-02.

Conditions:
Muscular dystrophy-dystroglycanopathy (congenital with brain and eye anomalies), type a, 12 (MDDGA12). Also called: WALKER-WARBURG SYNDROME OR MUSCLE-EYE-BRAIN DISEASE, POMK-RELATED. Identifiers: Orphanet 899, MedGen C3808964, MONDO:0014101, OMIM 615249.
Limb-girdle muscular dystrophy due to POMK deficiency. Also called: Muscular dystrophy-dystroglycanopathy (limb-girdle), type c, 12; MUSCULAR DYSTROPHY-DYSTROGLYCANOPATHY, LIMB-GIRDLE, POMK-RELATED. Identifiers: Orphanet 445110, MedGen C4015184, MONDO:0014489, OMIM 616094.

Allele frequency attached by ClinVar (database versions not stated): gnomAD exomes below 0.00001; TOPMed below 0.00001.
gnomAD v4.1: 1 of 1,614,158 alleles (0.000062%); highest among the groups gnomAD compares: Non-Finnish European, 0.000085%; no homozygotes.

Submissions (2):

Labcorp Genetics (formerly Invitae), Labcorp
Classification: Likely benign for Muscular dystrophy-dystroglycanopathy (congenital with brain and eye anomalies), type a, 12; Limb-girdle muscular dystrophy due to POMK deficiency. Last evaluated: 2023-08-02. Review status: criteria provided, single submitter. Criteria: Invitae Variant Classification Sherloc (09022015). Collection method: clinical testing. Allele origin: germline.

CeGaT Center for Human Genetics Tuebingen
Classification: Likely benign. Last evaluated: 2022-07-01. Review status: criteria provided, single submitter. Criteria: CeGaT Center For Human Genetics Tuebingen Variant Classification Criteria Version 2. Collection method: clinical testing. Allele origin: germline. Affected: yes. Observed: 1 variant allele.
Comment: POMK: PM2:Supporting, BP4, BP7